The following is an entry in ClinVar:

NM_147127.5(EVC2):c.3480T>G (p.Asp1160Glu)

Gene: EVC2 (EvC ciliary complex subunit 2; minus strand). Cytogenetic location: 4p16.2.
Variant type: single nucleotide variant.
Coding change: c.3480T>G on transcript NM_147127.5 (MANE Select); coding-DNA position 3480, T replaced by G.
Protein change: p.Asp1160Glu; replaces aspartic acid 1160 with glutamic acid.
Molecular consequence: missense variant.
Genome position (GRCh38, 1-based): chr4:5,568,521, A>C on the plus strand (T>G on the coding strand, the complement: EVC2 is on the minus strand). VCF-style: chr4-5568521-A-C. GRCh37 (hg19) VCF-style: chr4-5570248-A-C.
Other names: c.3240T>G, p.Asp1080Glu (NM_001166136.2); short protein forms D1080E, D1160E.
Identifiers: ClinVar variation 1049983 (VCV001049983.1), dbSNP rs2108770792, ClinGen allele CA356149409.
Genomic context (GRCh38, chr4:5,568,521, plus strand): 5'-GGCCTGCTCCGCTCCGCCATCGCTCTCAGCTGCGTGGTCCACATGTCTCTCGGTGGCCGA[A>C]TCCAGCAGGGCCAGCAGCTGAGGCTGTGAGGCTGTGGGCAGTACCACACTCAGGAGCCGG-3'
Protein context (NP_667338.3, residues 1150-1170): ASQPQLLALL[Asp1160Glu]SATERHVDHA

ClinVar aggregate classification (germline): Uncertain significance (0 of 4 stars; one submission).

Submission:

Department of Pathology and Laboratory Medicine, Sinai Health System
Classification: Uncertain significance. Review status: no assertion criteria provided. Collection method: clinical testing. Allele origin: unknown. Affected: yes. Study: The Canadian Open Genetics Repository (COGR).
Comment: The EVC2 p.(Asp1080Glu) variant was not identified in the literature nor was it identified in the dbSNP, ClinVar, Cosmic, MutDB or LOVD 3.0 databases. The variant was not identified in the following control databases: the 1000 Genomes Project, the NHLBI GO Exome Sequencing Project, the Exome Aggregation Consortium (August 8th 2016), or the Genome Aggregation Database (Feb 27, 2017). The p.(Asp1080Glu) residue is conserved in mammals and other distant organisms however four out of five computational analyses (PolyPhen-2, SIFT, AlignGVGD, BLOSUM) do not suggest a high likelihood of impact to the protein. However, this information is not predictive enough to rule out pathogenicity. In summary, based on the above information the clinical significance of this variant cannot be determined with certainty at this time. This variant is classified as a variant of uncertain significance.